The following is an entry in ClinVar:

NM_001163809.2(WDR81):c.788T>C (p.Ile263Thr)

Gene: WDR81 (WD repeat domain 81; plus strand). Cytogenetic location: 17p13.3.
Variant type: single nucleotide variant.
Coding change: c.788T>C on transcript NM_001163809.2 (MANE Select); coding-DNA position 788, T replaced by C.
Protein change: p.Ile263Thr; replaces isoleucine 263 with threonine.
Molecular consequence: missense variant. On other transcripts: intron variant (3).
Genome position (GRCh38, 1-based): chr17:1,725,747, T>C. VCF-style: chr17-1725747-T-C. GRCh37 (hg19) VCF-style: chr17-1629041-T-C.
Other names: c.-123-2243T>C (NM_152348.4); c.59-4633T>C (NM_001163673.2); c.-15+961T>C (NM_001163811.2); short protein forms I263T.
Identifiers: ClinVar variation 4847584 (VCV004847584.1).
Genomic context (GRCh38, chr17:1,725,747, plus strand): 5'-ATGACGTGGTCACCTTCAGCCCTGCCAAGCTGACCAACAGCCAGGCCAAGGTGCTGTTCA[T>C]TCTCTTCCGCGTGCTGAGGGCTATGGACGCCTGTCACCGCCAGGGGCTGGCGTGTGGGGC-3'
Protein context (NP_001157281.1, residues 253-273): LTNSQAKVLF[Ile263Thr]LFRVLRAMDA

ClinVar aggregate classification (germline): Uncertain significance (1 of 4 stars; one submission).

gnomAD v4.1: 4 of 1,550,666 alleles (0.00026%); highest among the groups gnomAD compares: South Asian, 0.0036%; no homozygotes.

Submission:

Women's Health and Genetics/Laboratory Corporation of America, LabCorp
Classification: Uncertain significance. Last evaluated: 2026-03-02. Review status: criteria provided, single submitter. Criteria: LabCorp Variant Classification Summary - May 2015. Collection method: clinical testing. Allele origin: germline.
Comment: Variant summary: WDR81 c.788T>C (p.Ile263Thr) results in a non-conservative amino acid change in the encoded protein sequence. Algorithms developed to predict the effect of missense changes on protein structure and function are either unavailable or do not agree on the potential impact of this missense change. The variant allele was found at a frequency of 1.3e-05 in 156642 control chromosomes. The available data on variant occurrences in the general population are insufficient to allow any conclusion about variant significance. To our knowledge, no occurrence of c.788T>C in individuals affected with WDR81-related conditions and no experimental evidence demonstrating its impact on protein function have been reported. No submitters have cited clinical-significance assessments for this variant to ClinVar. Based on the evidence outlined above, the variant was classified as uncertain significance.